The following is an entry in ClinVar:

ClinVar aggregate classification (germline): Likely benign (1 of 4 stars; one submission).

Submission:

CeGaT Center for Human Genetics Tuebingen
Classification: Likely benign. Last evaluated: 2026-02-01. Review status: criteria provided, single submitter. Criteria: CeGaT Center For Human Genetics Tuebingen Variant Classification Criteria Version 2. Collection method: clinical testing. Allele origin: germline. Affected: yes. Observed: 1 variant allele.
Comment: DRD4: PM4, BS1

NM_000797.4(DRD4):c.739_747del (p.Thr247_Pro249del)

Gene: DRD4 (dopamine receptor D4; plus strand). Cytogenetic location: 11p15.5.
Variant type: Deletion.
Coding change: c.739_747del on transcript NM_000797.4 (MANE Select); coding-DNA positions 739 to 747, 9 bases deleted (ACGCCACCC; older notation c.739_747delACGCCACCC).
Protein change: p.Thr247_Pro249del.
Molecular consequence: inframe deletion.
Genome position (GRCh38, 1-based): chr11:639,988-639,996, ACGCCACCC deleted; deleting any 9 consecutive bases within chr11:639,985-639,996 gives the same sequence; the c. name uses the placement nearest the transcript's 3' end. VCF-style (leftmost placement, unchanged base first): chr11-639984-CCCCACGCCA-C. GRCh37 (hg19) VCF-style: chr11-639984-CCCCACGCCA-C.
Identifiers: ClinVar variation 4821105 (VCV004821105.4).
Genomic context (GRCh38, chr11:639,984, plus strand): 5'-ACGTCGCGCCAAGCTGCACGGCCGCGCGCCCCGCCGACCCAGCGGCCCTGGCCCGCCTTC[CCCCACGCCA>C]CCCGCGCCCCGCCTCCCCCAGGACCCCTGCGGCCCCGACTGTGCGCCCCCCGCGCCCGGC-3'